The following is an entry in ClinVar:

NM_144997.7(FLCN):c.234G>C (p.Lys78Asn)

Gene: FLCN (folliculin; minus strand). Cytogenetic location: 17p11.2.
Variant type: single nucleotide variant.
Coding change: c.234G>C on transcript NM_144997.7 (MANE Select); coding-DNA position 234, G replaced by C.
Protein change: p.Lys78Asn; replaces lysine 78 with asparagine.
Molecular consequence: missense variant.
Genome position (GRCh38, 1-based): chr17:17,227,904, C>G on the plus strand (G>C on the coding strand, the complement: FLCN is on the minus strand). VCF-style: chr17-17227904-C-G. GRCh37 (hg19) VCF-style: chr17-17131218-C-G.
Other names: c.234G>C, p.Lys78Asn (NM_001353229.2, NM_001353230.2, NM_001353231.2 and 1 more transcripts); short protein forms K78N.
Identifiers: ClinVar variation 861804 (VCV000861804.8), dbSNP rs2047302304, ClinGen allele CA398535044.

ClinVar aggregate classification (germline): Uncertain significance. Review status: criteria provided, multiple submitters, no conflicts (2 of 4 stars). 2 submissions from 2 submitters: Uncertain significance (2). Last evaluated 2024-09-26.

Conditions:
Birt-Hogg-Dube syndrome. Also called: Birt Hogg Dubé syndrome. Identifiers: Orphanet 122, MedGen C0346010, MONDO:0800444.
Hereditary cancer-predisposing syndrome. Also called: Hereditary neoplastic syndrome; Tumor predisposition; Neoplastic Syndromes, Hereditary; Hereditary Cancer Syndrome. Identifiers: Orphanet 140162, MedGen C0027672, MeSH D009386, MONDO:0015356.

Submissions (2):

Ambry Genetics
Classification: Uncertain significance for Hereditary cancer-predisposing syndrome. Last evaluated: 2024-09-26. Review status: criteria provided, single submitter. Criteria: Ambry Variant Classification Scheme 2023. Collection method: clinical testing. Allele origin: germline.
Comment: The p.K78N variant (also known as c.234G>C), located in coding exon 1 of the FLCN gene, results from a G to C substitution at nucleotide position 234. The lysine at codon 78 is replaced by asparagine, an amino acid with similar properties. This amino acid position is conserved. In addition, the in silico prediction for this alteration is inconclusive. Based on the available evidence, the clinical significance of this variant remains unclear.

Labcorp Genetics (formerly Invitae), Labcorp
Classification: Uncertain significance for Birt-Hogg-Dube syndrome. Last evaluated: 2019-12-02. Review status: criteria provided, single submitter. Criteria: Invitae Variant Classification Sherloc (09022015). Collection method: clinical testing. Allele origin: germline.
Comment: This variant has not been reported in the literature in individuals with FLCN-related conditions. In summary, the available evidence is currently insufficient to determine the role of this variant in disease. Therefore, it has been classified as a Variant of Uncertain Significance. Algorithms developed to predict the effect of missense changes on protein structure and function (SIFT, PolyPhen-2, Align-GVGD) all suggest that this variant is likely to be tolerated, but these predictions have not been confirmed by published functional studies and their clinical significance is uncertain. This variant is not present in population databases (ExAC no frequency). This sequence change replaces lysine with asparagine at codon 78 of the FLCN protein (p.Lys78Asn). The lysine residue is moderately conserved and there is a moderate physicochemical difference between lysine and asparagine.